The following is an entry in ClinVar:

NM_005228.5(EGFR):c.2810C>G (p.Pro937Arg)

Gene: EGFR (epidermal growth factor receptor; plus strand). Cytogenetic location: 7p11.2.
Variant type: single nucleotide variant.
Coding change: c.2810C>G on transcript NM_005228.5 (MANE Select); coding-DNA position 2810, C replaced by G.
Protein change: p.Pro937Arg; replaces proline 937 with arginine.
Molecular consequence: missense variant.
Genome position (GRCh38, 1-based): chr7:55,198,825, C>G. VCF-style: chr7-55198825-C-G. GRCh37 (hg19) VCF-style: chr7-55266518-C-G.
Other names: c.2675C>G, p.Pro892Arg (NM_001346897.2, NM_001346899.2); c.2810C>G, p.Pro937Arg (NM_001346898.2); c.2651C>G, p.Pro884Arg (NM_001346900.2); c.2009C>G, p.Pro670Arg (NM_001346941.2); short protein forms P937R, P892R, P884R, P670R.
Identifiers: ClinVar variation 3668028 (VCV003668028.2).
Genomic context (GRCh38, chr7:55,198,825, plus strand): 5'-GAATCCCTGCCAGCGAGATCTCCTCCATCCTGGAGAAAGGAGAACGCCTCCCTCAGCCAC[C>G]CATATGTACCATCGATGTCTACATGATCATGGTCAAGTGTGAGTGACTGGTGGGTCTGTC-3'
Protein context (NP_005219.2, residues 927-947): LEKGERLPQP[Pro937Arg]ICTIDVYMIM

ClinVar aggregate classification (germline): Uncertain significance (1 of 4 stars; one submission).

Conditions:
EGFR-related lung cancer (EGFR). Identifiers: MedGen CN130014.

Submission:

Labcorp Genetics (formerly Invitae), Labcorp
Classification: Uncertain significance for EGFR-related lung cancer. Last evaluated: 2024-08-29. Review status: criteria provided, single submitter. Criteria: Invitae Variant Classification Sherloc (09022015). Collection method: clinical testing. Allele origin: germline.
Comment: This sequence change replaces proline, which is neutral and non-polar, with arginine, which is basic and polar, at codon 937 of the EGFR protein (p.Pro937Arg). This variant is not present in population databases (gnomAD no frequency). This variant has not been reported in the literature in individuals affected with EGFR-related conditions. Invitae Evidence Modeling of protein sequence and biophysical properties (such as structural, functional, and spatial information, amino acid conservation, physicochemical variation, residue mobility, and thermodynamic stability) indicates that this missense variant is expected to disrupt EGFR protein function with a positive predictive value of 80%. In summary, the available evidence is currently insufficient to determine the role of this variant in disease. Therefore, it has been classified as a Variant of Uncertain Significance.